The following is an entry in ClinVar:

NM_001100913.3(PACS2):c.852G>C (p.Glu284Asp)

Gene: PACS2 (phosphofurin acidic cluster sorting protein 2; plus strand). Cytogenetic location: 14q32.33.
Variant type: single nucleotide variant.
Coding change: c.852G>C on transcript NM_001100913.3 (MANE Select); coding-DNA position 852, G replaced by C.
Protein change: p.Glu284Asp; replaces glutamic acid 284 with aspartic acid.
Molecular consequence: missense variant.
Genome position (GRCh38, 1-based): chr14:105,376,818, G>C. VCF-style: chr14-105376818-G-C. GRCh37 (hg19) VCF-style: chr14-105843155-G-C.
Other names: c.627G>C, p.Glu209Asp (NM_001243127.3); c.852G>C, p.Glu284Asp (NM_015197.4); short protein forms E284D, E209D.
Identifiers: ClinVar variation 2753063 (VCV002753063.3), dbSNP rs2544766293, ClinGen allele CA391178803.

ClinVar aggregate classification (germline): Uncertain significance (1 of 4 stars; one submission).

Submission:

Labcorp Genetics (formerly Invitae), Labcorp
Classification: Uncertain significance. Last evaluated: 2023-08-16. Review status: criteria provided, single submitter. Criteria: Invitae Variant Classification Sherloc (09022015). Collection method: clinical testing. Allele origin: germline.
Comment: In summary, the available evidence is currently insufficient to determine the role of this variant in disease. Therefore, it has been classified as a Variant of Uncertain Significance. An algorithm developed to predict the effect of missense changes on protein structure and function (PolyPhen-2) suggests that this variant is likely to be disruptive. This variant has not been reported in the literature in individuals affected with PACS2-related conditions. This variant is not present in population databases (gnomAD no frequency). This sequence change replaces glutamic acid, which is acidic and polar, with aspartic acid, which is acidic and polar, at codon 284 of the PACS2 protein (p.Glu284Asp).